The following is an entry in ClinVar:

NM_138713.4(NFAT5):c.1902A>C (p.Lys634Asn)

Gene: NFAT5 (nuclear factor of activated T cells 5; plus strand). Cytogenetic location: 16q22.1.
Variant type: single nucleotide variant.
Coding change: c.1902A>C on transcript NM_138713.4 (MANE Select); coding-DNA position 1902, A replaced by C.
Protein change: p.Lys634Asn; replaces lysine 634 with asparagine.
Molecular consequence: missense variant.
Genome position (GRCh38, 1-based): chr16:69,691,067, A>C. VCF-style: chr16-69691067-A-C. GRCh37 (hg19) VCF-style: chr16-69724970-A-C.
Other names: c.1899A>C, p.Lys633Asn (NM_001113178.3); c.1227A>C, p.Lys409Asn (NM_001367709.1); c.1848A>C, p.Lys616Asn (NM_006599.4); c.1620A>C, p.Lys540Asn (NM_138714.4, NM_173214.3, NM_173215.3); short protein forms K409N, K616N, K633N, K634N, K540N.
Identifiers: ClinVar variation 1427435 (VCV001427435.8), dbSNP rs1292308107, ClinGen allele CA396504460.

ClinVar aggregate classification (germline): Uncertain significance (1 of 4 stars; one submission).

Conditions:
Immunodeficiency. Identifiers: MedGen C0021051, MONDO:0021094, HP:0002721.

Allele frequency attached by ClinVar (database versions not stated): TOPMed 0.00001.

Submission:

Labcorp Genetics (formerly Invitae), Labcorp
Classification: Uncertain significance for Immunodeficiency. Last evaluated: 2021-05-27. Review status: criteria provided, single submitter. Criteria: Invitae Variant Classification Sherloc (09022015). Collection method: clinical testing. Allele origin: germline.
Comment: In summary, the available evidence is currently insufficient to determine the role of this variant in disease. Therefore, it has been classified as a Variant of Uncertain Significance. Algorithms developed to predict the effect of missense changes on protein structure and function (SIFT, PolyPhen-2, Align-GVGD) all suggest that this variant is likely to be tolerated, but these predictions have not been confirmed by published functional studies and their clinical significance is uncertain. This variant has not been reported in the literature in individuals with NFAT5-related conditions. This variant is not present in population databases (ExAC no frequency). This sequence change replaces lysine with asparagine at codon 540 of the NFAT5 protein (p.Lys540Asn). The lysine residue is moderately conserved and there is a moderate physicochemical difference between lysine and asparagine.